The following is an entry in ClinVar:

ClinVar aggregate classification (germline): Conflicting classifications of pathogenicity. Review status: criteria provided, conflicting classifications (1 of 4 stars). 6 submissions from 6 submitters: Uncertain significance (5); Likely benign (1). Last evaluated 2025-07-11.

Conditions:
Nephronophthisis. Also called: Juvenile Nephronophthisis. Identifiers: Orphanet 655, MedGen C0687120, MONDO:0019005, HP:0000090.
NPHP4-related disorder. Also called: NPHP4-related condition; NPHP4-related disorders. Identifiers: MedGen CN239384.
Senior-Loken syndrome 4 (SLSN4). Identifiers: Orphanet 3156, MedGen C1846979, MONDO:0011756, OMIM 606996.
Nephronophthisis 4 (NPHP4). Also called: NEPHRONOPHTHISIS 4, JUVENILE. Identifiers: Orphanet 655, MedGen C1847013, MONDO:0011752, OMIM 606966.
Inborn genetic diseases. Identifiers: MedGen C0950123, MeSH D030342.

Allele frequency attached by ClinVar (database versions not stated): gnomAD exomes 0.00001 and 0.00004; ExAC 0.00002; gnomAD 0.00004 and 0.00005; TOPMed 0.00006; 1000 Genomes Project 30x 0.00047; 1000 Genomes Project 0.00060.
gnomAD v4.1: 28 of 1,613,972 alleles (0.0017%); highest among the groups gnomAD compares: East Asian, 0.038%; no homozygotes.

Submissions (7):

Ambry Genetics
Classification: Likely benign for Inborn genetic diseases. Last evaluated: 2025-07-11. Review status: criteria provided, single submitter. Criteria: Ambry Variant Classification Scheme 2023. Collection method: clinical testing. Allele origin: germline.

PreventionGenetics, part of Exact Sciences
Classification: Uncertain significance for NPHP4-related condition. Last evaluated: 2025-02-13. Review status: criteria provided, single submitter. Criteria: ACMG Guidelines, 2015. Collection method: clinical testing. Allele origin: germline.
Comment: The NPHP4 c.1118A>G variant is predicted to result in the amino acid substitution p.Asn373Ser. To our knowledge, this variant has not been reported in the literature. This variant is reported in 0.051% of alleles in individuals of East Asian descent in gnomAD. At this time, the clinical significance of this variant is uncertain due to the absence of conclusive functional and genetic evidence.

Fulgent Genetics
Classification: Uncertain significance for Nephronophthisis 4; Senior-Loken syndrome 4. Last evaluated: 2024-01-09. Review status: criteria provided, single submitter. Criteria: ACMG Guidelines, 2015. Collection method: clinical testing. Allele origin: germline.

Blueprint Genetics
Classification: Uncertain significance. Last evaluated: 2022-09-01. Review status: criteria provided, single submitter. Criteria: ACMG Guidelines, 2015. Collection method: clinical testing. Allele origin: germline.

Labcorp Genetics (formerly Invitae), Labcorp
Classification: Uncertain significance for Nephronophthisis. Last evaluated: 2021-09-01. Review status: criteria provided, single submitter. Criteria: Invitae Variant Classification Sherloc (09022015). Collection method: clinical testing. Allele origin: germline.
Comment: This sequence change replaces asparagine with serine at codon 373 of the NPHP4 protein (p.Asn373Ser). The asparagine residue is weakly conserved and there is a small physicochemical difference between asparagine and serine. This variant is present in population databases (rs556579725, ExAC 0.02%). This variant has not been reported in the literature in individuals affected with NPHP4-related conditions. Algorithms developed to predict the effect of missense changes on protein structure and function output the following: SIFT: "Tolerated"; PolyPhen-2: "Benign"; Align-GVGD: "Class C0". The serine amino acid residue is found in multiple mammalian species, which suggests that this missense change does not adversely affect protein function. Algorithms developed to predict the effect of sequence changes on RNA splicing suggest that this variant may disrupt the consensus splice site. In summary, the available evidence is currently insufficient to determine the role of this variant in disease. Therefore, it has been classified as a Variant of Uncertain Significance.

Eurofins Ntd Llc (ga)
Classification: Uncertain significance. Last evaluated: 2017-05-05. Review status: criteria provided, single submitter. Criteria: EGL Classification Definitions 2015. Collection method: clinical testing. Allele origin: germline. Observed: 1 variant allele, 1 heterozygote.

Dr. Peter K. Rogan Lab, Western University
No classification provided (evidence only). Condition: Malignant tumor of esophagus. Review status: no classification provided. Collection method: in vitro. Allele origin: not applicable. Functional consequence: retained intron. Not counted in ClinVar's aggregate classification.

NM_015102.5(NPHP4):c.1118A>G (p.Asn373Ser)

Gene: NPHP4 (nephrocystin 4; minus strand). Cytogenetic location: 1p36.31.
Variant type: single nucleotide variant.
Coding change: c.1118A>G on transcript NM_015102.5 (MANE Select); coding-DNA position 1118, A replaced by G.
Protein change: p.Asn373Ser; replaces asparagine 373 with serine.
Molecular consequence: missense variant. On other transcripts: 5 prime UTR variant (2), non-coding transcript variant (1).
Genome position (GRCh38, 1-based): chr1:5,947,105, T>C on the plus strand (A>G on the coding strand, the complement: NPHP4 is on the minus strand). VCF-style: chr1-5947105-T-C. GRCh37 (hg19) VCF-style: chr1-6007165-T-C.
Other names: c.1118A>G (NM_015102.3, NM_015102.4); c.-249A>G (NM_001291593.2, NM_001291594.2); short protein forms N373S.
Identifiers: ClinVar variation 501906 (VCV000501906.15), dbSNP rs556579725, ClinGen allele CA554638.
Genomic context (GRCh38, chr1:5,947,105, plus strand): 5'-TATCCTCACACACAGAGTTCACCACCAGAGGAAACCGAGTGCAAAAGGGCTGTTCTTACA[T>C]TGCCGTCCACTCCTGCAGGGCTGCTGAACACGTACTCCAGCTGGAAGATGACCGCAAATG-3'
Protein context (NP_055917.1, residues 363-383): VFSSPAGVDG[Asn373Ser]AASVTSLSNL